The following is an entry in ClinVar:

ClinVar aggregate classification (germline): Uncertain significance (1 of 4 stars; one submission).

Allele frequency attached by ClinVar (database versions not stated): gnomAD exomes below 0.00001; TOPMed below 0.00001.
gnomAD v4.1: 7 of 1,614,166 alleles (0.00043%); highest among the groups gnomAD compares: Non-Finnish European, 0.00059%; no homozygotes.

Submission:

Labcorp Genetics (formerly Invitae), Labcorp
Classification: Uncertain significance. Last evaluated: 2022-02-27. Review status: criteria provided, single submitter. Criteria: Invitae Variant Classification Sherloc (09022015). Collection method: clinical testing. Allele origin: germline.
Comment: This variant has not been reported in the literature in individuals affected with LCT-related conditions. This sequence change replaces lysine, which is basic and polar, with glutamine, which is neutral and polar, at codon 1910 of the LCT protein (p.Lys1910Gln). This variant is not present in population databases (gnomAD no frequency). Algorithms developed to predict the effect of missense changes on protein structure and function are either unavailable or do not agree on the potential impact of this missense change (SIFT: "Not Available"; PolyPhen-2: "Possibly Damaging"; Align-GVGD: "Not Available"). In summary, the available evidence is currently insufficient to determine the role of this variant in disease. Therefore, it has been classified as a Variant of Uncertain Significance.

NM_002299.4(LCT):c.5728A>C (p.Lys1910Gln)

Gene: LCT (lactase; minus strand). Cytogenetic location: 2q21.3.
Variant type: single nucleotide variant.
Coding change: c.5728A>C on transcript NM_002299.4 (MANE Select); coding-DNA position 5728, A replaced by C.
Protein change: p.Lys1910Gln; replaces lysine 1910 with glutamine.
Molecular consequence: missense variant.
Genome position (GRCh38, 1-based): chr2:135,788,380, T>G on the plus strand (A>C on the coding strand, the complement: LCT is on the minus strand). VCF-style: chr2-135788380-T-G. GRCh37 (hg19) VCF-style: chr2-136545950-T-G.
Other names: short protein forms K1910Q.
Identifiers: ClinVar variation 1391315 (VCV001391315.6), dbSNP rs2077508707, ClinGen allele CA348583887.